The following is an entry in ClinVar:

ClinVar aggregate classification (germline): Uncertain significance (1 of 4 stars; one submission).

Submission:

Women's Health and Genetics/Laboratory Corporation of America, LabCorp
Classification: Uncertain significance. Last evaluated: 2024-06-07. Review status: criteria provided, single submitter. Criteria: LabCorp Variant Classification Summary - May 2015. Collection method: clinical testing. Allele origin: germline.
Comment: Variant summary: The variant involves the deletion of exons 1-26 in the RIC1 gene. A presumed nomenclature of c.(?_-204)_(*2312_?)del has been designated for the purposes of this classification. This deletion includes the entire coding sequence of the gene. As the exact proximal and distal breakpoints are unknown, it may extend beyond the annotated region of the gene to include other flanking genes. However, current evidence is not sufficient to establish whether loss-of-function variants in the gene cause disease. A deletion that corresponds to exons 1-26 of the gene (Size: ~426.6 kbp) was found at a frequency of 8.6e-06 in 462883 control chromosomes (i.e. 4 alleles) in the gnomAD database (CNVs v4.1 dataset; zygosity not specified in this dataset). The available data on variant occurrences in the general population are insufficient to allow any conclusion about variant significance. To our knowledge, no occurrence of c.(?_-204)_(*2312_?)del in individuals affected with CATIFA Syndrome and no experimental evidence demonstrating its impact on protein function have been reported. No submitters have cited clinical-significance assessments for this variant to ClinVar. Based on the evidence outlined above, the variant was classified as uncertain significance.

NC_000009.11:g.(?_5629106)_(5776558_?)del

Gene: RIC1 (RIC1 homolog, RAB6A GEF complex partner 1; plus strand). Cytogenetic location: 9p24.1.
Variant type: Deletion.
Identifiers: ClinVar variation 3339682 (VCV003339682.1).